The following is an entry in ClinVar:

NM_000517.6(HBA2):c.175C>T (p.His59Tyr)

Genes: HBA2 (hemoglobin subunit alpha 2; plus strand), LOC106804612 (hemoglobin subunit alpha 2 recombination region; plus strand). Cytogenetic location: 16p13.3.
Variant type: single nucleotide variant.
Coding change: c.175C>T on transcript NM_000517.6 (MANE Select); coding-DNA position 175, C replaced by T.
Protein change: p.His59Tyr; replaces histidine 59 with tyrosine.
Molecular consequence: missense variant.
Genome position (GRCh38, 1-based): chr16:173,204, C>T. VCF-style: chr16-173204-C-T. GRCh37 (hg19) VCF-style: chr16-223203-C-T.
Other names: short protein forms H59Y.
Identifiers: ClinVar variation 3346945 (VCV003346945.1).

ClinVar aggregate classification (germline): Pathogenic (0 of 4 stars; one submission).

Conditions:
HBA2-related disorder. Also called: HBA2-related condition.

Submission:

PreventionGenetics, part of Exact Sciences
Classification: Pathogenic for HBA2-related condition. Last evaluated: 2024-06-10. Review status: no assertion criteria provided. Collection method: clinical testing. Allele origin: germline.
Comment: The HBA2 c.175C>T variant is predicted to result in the amino acid substitution p.His59Tyr. This variant, also described in the literature as the Hb M Boston variant or His58Tyr, is a known cause of autosomal dominant methemoglobinemia and cyanosis (Pulsinelli et al. 1973. PubMed ID: 4521212; Chen et al. 2020. PubMed ID: 33242448; Upadhye et al. 2015. PubMed ID: 25079170). Both inherited (Chen et al. 2020. PubMed ID: 33242448) and de novo occurrences have been documented (Shin et al. 2019. PubMed ID: 31269924). This variant has not been reported in a large population database, indicating this variant is rare. Other variants impacting the same amino acid (p.His59Leu and p.His59Gln), have also been documented in patients with HBA2-related disorders (Pedroso et al. 2019. PubMed ID: 31712880; Qadah et al. 2015. PubMed ID: 26193975). Based on this evidence, the c.175C>T (p.His59Tyr) variant is interpreted as pathogenic.